The following is an entry in ClinVar:

ClinVar aggregate classification (germline): Uncertain significance (1 of 4 stars; one submission).

Conditions:
Growth retardation, intellectual developmental disorder, hypotonia, and hepatopathy (GRIDHH). Also called: GROWTH RETARDATION, IMPAIRED INTELLECTUAL DEVELOPMENT, HYPOTONIA, AND HEPATOPATHY. Identifiers: Orphanet 541423, MedGen C4310720, MONDO:0014911, OMIM 617093.

Submission:

Juno Genomics, Hangzhou Juno Genomics, Inc
Classification: Uncertain significance for Growth retardation, intellectual developmental disorder, hypotonia, and hepatopathy. Review status: criteria provided, single submitter. Criteria: ACMG Guidelines, 2015. Collection method: clinical testing. Allele origin: germline.
Comment: Absent from controls (or at extremely low frequency if recessive) in Genome Aggregation Database.;Multiple lines of computational evidence support a deleterious effect on the gene or gene product.

NM_002161.6(IARS1):c.2273T>G (p.Leu758Trp)

Gene: IARS1 (isoleucyl-tRNA synthetase 1; minus strand). Cytogenetic location: 9q22.31.
Variant type: single nucleotide variant.
Coding change: c.2273T>G on transcript NM_002161.6 (MANE Select); coding-DNA position 2273, T replaced by G.
Protein change: p.Leu758Trp; replaces leucine 758 with tryptophan.
Molecular consequence: missense variant. On other transcripts: non-coding transcript variant (1).
Genome position (GRCh38, 1-based): chr9:92,251,842, A>C on the plus strand (T>G on the coding strand, the complement: IARS1 is on the minus strand). VCF-style: chr9-92251842-A-C. GRCh37 (hg19) VCF-style: chr9-95014124-A-C.
Other names: c.2336T>G, p.Leu779Trp (NM_001378569.1); c.2294T>G, p.Leu765Trp (NM_001378571.1); c.2273T>G, p.Leu758Trp (NM_001378572.1, NM_001378573.1, NM_001378574.1 and 12 more transcripts); c.2177T>G, p.Leu726Trp (NM_001378582.1); c.2150T>G, p.Leu717Trp (NM_001378583.1); c.2189T>G, p.Leu730Trp (NM_001374301.1); short protein forms L717W, L726W, L730W, L758W, L765W, L779W.
Identifiers: ClinVar variation 5019298 (VCV005019298.2).
Genomic context (GRCh38, chr9:92,251,842, plus strand): 5'-TACTAGAAAGAAGCCAATCATCTTACCATAAGTCTGCAAAGAGAAAGCAGAACACTAAAC[A>C]AGGTTTCTAGGGCCATGACACAATCCTCCATCCCATTTTCACCCTAATGAGTAAAAAGGA-3'
Protein context (NP_002152.2, residues 748-768): MEDCVMALET[Leu758Trp]FSVLLSLCRL